The following is an entry in ClinVar:

ClinVar aggregate classification (germline): Pathogenic/Likely pathogenic. Review status: criteria provided, multiple submitters, no conflicts (2 of 4 stars). 2 submissions from 2 submitters: Pathogenic (1); Likely pathogenic (1). Last evaluated 2020-02-06.

Conditions:
Familial cold autoinflammatory syndrome 2 (FCAS2). Identifiers: Orphanet 247868, MedGen C2673198, MONDO:0012724, OMIM 611762.

Submissions (2):

Laboratorio de Genetica e Diagnostico Molecular, Hospital Israelita Albert Einstein
Classification: Likely pathogenic. Last evaluated: 2020-02-06. Review status: criteria provided, single submitter. Criteria: ACMG Guidelines, 2015. Collection method: clinical testing. Allele origin: germline. Affected: yes.
Comment: ACMG classification criteria: PVS1, PM2

Labcorp Genetics (formerly Invitae), Labcorp
Classification: Pathogenic for Familial cold autoinflammatory syndrome 2. Last evaluated: 2018-10-29. Review status: criteria provided, single submitter. Criteria: Invitae Variant Classification Sherloc (09022015). Collection method: clinical testing. Allele origin: germline.
Comment: This sequence change creates a premature translational stop signal (p.Lys371Asnfs*20) in the NLRP12 gene. It is expected to result in an absent or disrupted protein product. This variant is not present in population databases (ExAC no frequency). This variant has not been reported in the literature in individuals with NLRP12-related disease. Loss-of-function variants in NLRP12 are known to be pathogenic (PMID: 18230725). For these reasons, this variant has been classified as Pathogenic.

NM_144687.4(NLRP12):c.1113_1116del (p.Lys371fs)

Gene: NLRP12 (NLR family pyrin domain containing 12; minus strand). Cytogenetic location: 19q13.42.
Variant type: Microsatellite.
Coding change: c.1113_1116del on transcript NM_144687.4 (MANE Select); coding-DNA positions 1113 to 1116, 4 bases deleted (GGAA; older notation c.1113_1116delGGAA).
Protein change: p.Lys371fs; shifts the reading frame from lysine 371.
Molecular consequence: frameshift variant.
Genome position (GRCh38, 1-based): chr19:53,810,543-53,810,546, TTCC deleted on the plus strand (GGAA on the coding strand, the reverse complement: NLRP12 is on the minus strand); deleting any 4 consecutive bases within chr19:53,810,543-53,810,552 gives the same sequence; the c. name uses the placement nearest the transcript's 3' end. VCF-style (leftmost placement, unchanged base first): chr19-53810542-ATTCC-A. GRCh37 (hg19) VCF-style: chr19-54313796-ATTCC-A.
Other names: c.1113_1116del, p.Lys371fs (NM_001277126.2, NM_001277129.1); c.1113_1116delGGAA (NM_144687.3); short protein forms K371fs.
Identifiers: ClinVar variation 649559 (VCV000649559.3), dbSNP rs1599842537, ClinGen allele CA915952282.